The following is an entry in ClinVar:

ClinVar aggregate classification (germline): Uncertain significance (1 of 4 stars; one submission).

Conditions:
Hereditary sensory and autonomic neuropathy type 6. Also called: Neuropathy, hereditary sensory and autonomic, type VI; HSAN VI. Identifiers: Orphanet 314381, MedGen C3539003, MONDO:0013839, OMIM 614653.
Epidermolysis bullosa simplex 3, localized or generalized intermediate, with BP230 deficiency (EBS3). Also called: Epidermolysis bullosa simplex due to BP230 deficiency; Epidermolysis bullosa simplex, autosomal recessive 2. Identifiers: Orphanet 412181, MedGen C3809470, MONDO:0014180, OMIM 615425.

Submission:

Labcorp Genetics (formerly Invitae), Labcorp
Classification: Uncertain significance for Epidermolysis bullosa simplex 3, localized or generalized intermediate, with BP230 deficiency; Hereditary sensory and autonomic neuropathy type 6. Last evaluated: 2022-05-27. Review status: criteria provided, single submitter. Criteria: Invitae Variant Classification Sherloc (09022015). Collection method: clinical testing. Allele origin: germline.
Comment: This sequence change replaces serine, which is neutral and polar, with threonine, which is neutral and polar, at codon 265 of the DST protein (p.Ser265Thr). This variant is not present in population databases (gnomAD no frequency). This variant has not been reported in the literature in individuals affected with DST-related conditions. Algorithms developed to predict the effect of missense changes on protein structure and function (SIFT, PolyPhen-2, Align-GVGD) all suggest that this variant is likely to be disruptive. In summary, the available evidence is currently insufficient to determine the role of this variant in disease. Therefore, it has been classified as a Variant of Uncertain Significance.

NM_001374736.1(DST):c.2404T>A (p.Ser802Thr)

Gene: DST (dystonin; minus strand). Cytogenetic location: 6p12.1.
Variant type: single nucleotide variant.
Coding change: c.2404T>A on transcript NM_001374736.1 (MANE Select); coding-DNA position 2404, T replaced by A.
Protein change: p.Ser802Thr; replaces serine 802 with threonine.
Molecular consequence: missense variant.
Genome position (GRCh38, 1-based): chr6:56,640,229, A>T on the plus strand (T>A on the coding strand, the complement: DST is on the minus strand). VCF-style: chr6-56640229-A-T. GRCh37 (hg19) VCF-style: chr6-56505027-A-T.
Other names: c.2305T>A, p.Ser769Thr (NM_001144769.5); c.1891T>A, p.Ser631Thr (NM_001144770.2); c.2404T>A, p.Ser802Thr (NM_001374722.1); c.1771T>A, p.Ser591Thr (NM_001374729.1, NM_001374730.1, NM_001386100.1 and 1 more transcripts); c.2431T>A, p.Ser811Thr (NM_001374734.1); c.793T>A, p.Ser265Thr (NM_001723.7, NM_015548.5); short protein forms S811T, S591T, S802T, S265T, S631T, S769T.
Identifiers: ClinVar variation 1965858 (VCV001965858.5), dbSNP rs2537167300, ClinGen allele CA364578414.